The following is an entry in ClinVar:

NM_000285.4(PEPD):c.994C>A (p.Leu332Met)

Gene: PEPD (peptidase D; minus strand). Cytogenetic location: 19q13.11.
Variant type: single nucleotide variant.
Coding change: c.994C>A on transcript NM_000285.4 (MANE Select); coding-DNA position 994, C replaced by A.
Protein change: p.Leu332Met; replaces leucine 332 with methionine.
Molecular consequence: missense variant.
Genome position (GRCh38, 1-based): chr19:33,391,453, G>T on the plus strand (C>A on the coding strand, the complement: PEPD is on the minus strand). VCF-style: chr19-33391453-G-T. GRCh37 (hg19) VCF-style: chr19-33882359-G-T.
Other names: c.871C>A, p.Leu291Met (NM_001166056.2); c.802C>A, p.Leu268Met (NM_001166057.2); c.994C>A (NM_000285.3); short protein forms L332M, L268M, L291M.
Identifiers: ClinVar variation 1428565 (VCV001428565.6), dbSNP rs1375577151, ClinGen allele CA405222017.

ClinVar aggregate classification (germline): Uncertain significance. Review status: criteria provided, multiple submitters, no conflicts (2 of 4 stars). 2 submissions from 2 submitters: Uncertain significance (2). Last evaluated 2025-02-07.

Conditions:
Inborn genetic diseases. Identifiers: MedGen C0950123, MeSH D030342.

Allele frequency attached by ClinVar (database versions not stated): gnomAD exomes 0.00001.
gnomAD v4.1: 27 of 1,553,578 alleles (0.0017%); highest among the groups gnomAD compares: Non-Finnish European, 0.0024%; no homozygotes.

Submissions (2):

Ambry Genetics
Classification: Uncertain significance for Inborn genetic diseases. Last evaluated: 2025-02-07. Review status: criteria provided, single submitter. Criteria: Ambry Variant Classification Scheme 2023. Collection method: clinical testing. Allele origin: germline.

Labcorp Genetics (formerly Invitae), Labcorp
Classification: Uncertain significance. Last evaluated: 2021-08-26. Review status: criteria provided, single submitter. Criteria: Invitae Variant Classification Sherloc (09022015). Collection method: clinical testing. Allele origin: germline.
Comment: This sequence change replaces leucine with methionine at codon 332 of the PEPD protein (p.Leu332Met). The leucine residue is highly conserved and there is a small physicochemical difference between leucine and methionine. This variant is not present in population databases (ExAC no frequency). This variant has not been reported in the literature in individuals affected with PEPD-related conditions. Algorithms developed to predict the effect of missense changes on protein structure and function are either unavailable or do not agree on the potential impact of this missense change (SIFT: "Deleterious"; PolyPhen-2: "Possibly Damaging"; Align-GVGD: "Class C0"). In summary, the available evidence is currently insufficient to determine the role of this variant in disease. Therefore, it has been classified as a Variant of Uncertain Significance.